The following is an entry in ClinVar:

NM_000540.3(RYR1):c.12094+11A>G

Gene: RYR1 (ryanodine receptor 1; plus strand). Cytogenetic location: 19q13.2.
Variant type: single nucleotide variant.
Coding change: c.12094+11A>G on transcript NM_000540.3 (MANE Select); 11 bases into the intron after coding-DNA position 12094, A replaced by G.
Molecular consequence: intron variant.
Genome position (GRCh38, 1-based): chr19:38,546,537, A>G. VCF-style: chr19-38546537-A-G. GRCh37 (hg19) VCF-style: chr19-39037177-A-G.
Other names: c.12079+11A>G (NM_001042723.2).
Identifiers: ClinVar variation 159832 (VCV000159832.22), dbSNP rs73933018, ClinGen allele CA023964.
Genomic context (GRCh38, chr19:38,546,537, plus strand): 5'-GCTGGATCTGCAGAAGGACATGGTGGTGATGTTGCTGTCGCTACTAGAAGGTAAACACCC[A>G]GGAGTGAGGGTGAGGGAACAGTAAAGAGGTTCAGAGAAGCCTGAGAATGGCCCCCTGAGA-3'

ClinVar aggregate classification (germline): Benign. Review status: criteria provided, multiple submitters, no conflicts (2 of 4 stars). 9 submissions from 8 submitters: Benign (7). 2 of the submissions do not count toward it. Last evaluated 2026-02-03.

Conditions:
RYR1-related disorder. Also called: RYR1-related disorders; RYR1-related condition. Identifiers: MedGen CN239331.
Malignant hyperthermia, susceptibility to, 1 (MHS1). Also called: Anesthesia related hyperthermia; Malignant hyperpyrexia; Fulminating hyperpyrexia; Pharmacogenic myopathy; RYR1-Related Malignant Hyperthermia Susceptibility; Malignant hyperthermia suceptibility 1. Identifiers: Orphanet 423, MedGen C2930980, MONDO:0007783, OMIM 145600.
Congenital multicore myopathy with external ophthalmoplegia (CMYO1B). Also called: Minicore myopathy with external ophthalmoplegia; MULTIMINICORE DISEASE WITH EXTERNAL OPHTHALMOPLEGIA; MULTICORE MYOPATHY; Congenital myopathy 1B, autosomal recessive; Minicore myopathy. Identifiers: Orphanet 598, Orphanet 98905, MedGen C1850674, MONDO:0009712, OMIM 255320, HP:0003789.

Allele frequency attached by ClinVar (database versions not stated): gnomAD exomes 0.00315 and 0.00850; ExAC 0.01077; gnomAD 0.03048 and 0.03267; TOPMed 0.03489; ESP Exome Variant Server 0.03668; 1000 Genomes Project 0.03954; 1000 Genomes Project 30x 0.04357.
gnomAD v4.1: 9,412 of 1,609,702 alleles (0.58%); highest among the groups gnomAD compares: African/African-American, 11%; 438 homozygotes.

Submissions (9):

Labcorp Genetics (formerly Invitae), Labcorp
Classification: Benign for RYR1-related disorder. Last evaluated: 2026-02-03. Review status: criteria provided, single submitter. Criteria: Invitae Variant Classification Sherloc (09022015). Collection method: clinical testing. Allele origin: germline.

PreventionGenetics, part of Exact Sciences
Classification: Benign. Last evaluated: 2018-03-26. Review status: criteria provided, single submitter. Criteria: ACMG Guidelines, 2015. Collection method: clinical testing. Allele origin: germline.

Illumina Laboratory Services, Illumina
Classification: Benign for Congenital multicore myopathy with external ophthalmoplegia. Last evaluated: 2018-01-12. Review status: criteria provided, single submitter. Criteria: ICSL Variant Classification Criteria 13 December 2019. Collection method: clinical testing. Allele origin: germline.
Comment: This variant was observed in the ICSL laboratory as part of a predisposition screen in an ostensibly healthy population. It had not been previously curated by ICSL or reported in the Human Gene Mutation Database (HGMD: prior to June 1st, 2018), and was therefore a candidate for classification through an automated scoring system. Utilizing variant allele frequency, disease prevalence and penetrance estimates, and inheritance mode, an automated score was calculated to assess if this variant is too frequent to cause the disease. Based on the score and internal cut-off values, a variant classified as benign is not then subjected to further curation. The score for this variant resulted in a classification of benign for this disease.

Illumina Laboratory Services, Illumina
Classification: Benign for Malignant hyperthermia, susceptibility to, 1. Last evaluated: 2018-01-12. Review status: criteria provided, single submitter. Criteria: ICSL Variant Classification Criteria 13 December 2019. Collection method: clinical testing. Allele origin: germline.
Comment: the same text as in the submission from Illumina Laboratory Services, Illumina above.

GeneDx
Classification: Benign. Last evaluated: 2016-05-18. Review status: criteria provided, single submitter. Criteria: GeneDx Variant Classification (06012015). Collection method: clinical testing. Allele origin: germline. Affected: yes.
Comment: This variant is considered likely benign or benign based on one or more of the following criteria: it is a conservative change, it occurs at a poorly conserved position in the protein, it is predicted to be benign by multiple in silico algorithms, and/or has population frequency not consistent with disease.

Genetic Services Laboratory, University of Chicago
Classification: Benign. Last evaluated: 2013-02-08. Review status: criteria provided, single submitter. Criteria: ACMG Guidelines, 2007. Collection method: clinical testing. Allele origin: germline. Inheritance: Autosomal unknown.

Breakthrough Genomics
Classification: Benign. Review status: criteria provided, single submitter. Criteria: ACMG Guidelines, 2015. Collection method: not provided. Allele origin: germline. Inheritance: Autosomal recessive inheritance. Affected: yes.

Joint Genome Diagnostic Labs from Nijmegen and Maastricht, Radboudumc and MUMC+
Classification: Benign. Review status: no assertion criteria provided. Collection method: clinical testing. Allele origin: germline. Affected: yes. Study: VKGL Data-share Consensus. Not counted in ClinVar's aggregate classification.

Laboratory of Diagnostic Genome Analysis, Leiden University Medical Center (LUMC)
Classification: Likely benign. Review status: no assertion criteria provided. Collection method: clinical testing. Allele origin: germline. Affected: yes. Study: VKGL Data-share Consensus. Not counted in ClinVar's aggregate classification.